The following is an entry in ClinVar:

ClinVar aggregate classification (germline): Conflicting classifications of pathogenicity. Review status: criteria provided, conflicting classifications (1 of 4 stars). 4 submissions from 4 submitters: Uncertain significance (3); Benign (1). Last evaluated 2025-12-17.

Allele frequency attached by ClinVar (database versions not stated): TOPMed 0.00002.

Submissions (4):

Labcorp Genetics (formerly Invitae), Labcorp
Classification: Benign. Last evaluated: 2025-12-17. Review status: criteria provided, single submitter. Criteria: Invitae Variant Classification Sherloc (09022015). Collection method: clinical testing. Allele origin: germline.

Blueprint Genetics
Classification: Uncertain significance. Last evaluated: 2023-06-09. Review status: criteria provided, single submitter. Criteria: ACMG Guidelines, 2015. Collection method: clinical testing. Allele origin: germline.

GeneDx
Classification: Uncertain significance. Last evaluated: 2022-03-18. Review status: criteria provided, single submitter. Criteria: GeneDx Variant Classification Process June 2021. Collection method: clinical testing. Allele origin: germline. Affected: yes.
Comment: Reported in a patient with Stickler syndrome and similarly affected parent in published literature (Huang et al., 2020); Not observed at significant frequency in large population cohorts (gnomAD); In silico analysis, which includes protein predictors and evolutionary conservation, supports that this variant does not alter protein structure/function; This variant is associated with the following publications: (PMID: 32756486)

Eurofins Ntd Llc (ga)
Classification: Uncertain significance. Last evaluated: 2016-03-22. Review status: criteria provided, single submitter. Criteria: EGL Classification Definitions 2015. Collection method: clinical testing. Allele origin: germline. Observed: 1 variant allele, 1 heterozygote.

NM_001854.4(COL11A1):c.1201T>C (p.Phe401Leu)

Gene: COL11A1 (collagen type XI alpha 1 chain; minus strand). Cytogenetic location: 1p21.1.
Variant type: single nucleotide variant.
Coding change: c.1201T>C on transcript NM_001854.4 (MANE Select); coding-DNA position 1201, T replaced by C.
Protein change: p.Phe401Leu; replaces phenylalanine 401 with leucine.
Molecular consequence: missense variant. On other transcripts: non-coding transcript variant (1), intron variant (1).
Genome position (GRCh38, 1-based): chr1:103,022,786, A>G on the plus strand (T>C on the coding strand, the complement: COL11A1 is on the minus strand). VCF-style: chr1-103022786-A-G. GRCh37 (hg19) VCF-style: chr1-103488342-A-G.
Other names: c.1084T>C, p.Phe362Leu (NM_001190709.2); c.1237T>C, p.Phe413Leu (NM_080629.3); c.898-1017T>C (NM_080630.4); short protein forms F401L, F413L, F362L.
Identifiers: ClinVar variation 287081 (VCV000287081.14), dbSNP rs141817156, ClinGen allele CA975098.